The following is an entry in ClinVar:

NM_000277.3(PAH):c.533A>G (p.Glu178Gly)

Gene: PAH (phenylalanine hydroxylase; minus strand). Cytogenetic location: 12q23.2.
Variant type: single nucleotide variant.
Coding change: c.533A>G on transcript NM_000277.3 (MANE Select); coding-DNA position 533, A replaced by G.
Protein change: p.Glu178Gly; replaces glutamic acid 178 with glycine.
Molecular consequence: missense variant.
Genome position (GRCh38, 1-based): chr12:102,855,309, T>C on the plus strand (A>G on the coding strand, the complement: PAH is on the minus strand). VCF-style: chr12-102855309-T-C. GRCh37 (hg19) VCF-style: chr12-103249087-T-C.
Other names: NM_000277.2(PAH):c.533A>G; c.533A>G, p.Glu178Gly (NM_001354304.2); c.533A>G (NM_000277.2); short protein forms E178G.
Identifiers: ClinVar variation 92746 (VCV000092746.91), dbSNP rs77958223, ClinGen allele CA273110.

ClinVar aggregate classification (germline): Pathogenic. Review status: reviewed by expert panel (3 of 4 stars). 19 submissions from 19 submitters: Pathogenic (1). 18 of the submissions do not count toward it. Last evaluated 2018-08-10.

Conditions:
PAH-related disorder. Also called: PAH-related condition.
Autosomal recessive PAH-related disorders.
Inborn genetic diseases. Identifiers: MedGen C0950123, MeSH D030342.
6-Pyruvoyl-tetrahydrobiopterin synthase deficiency. Also called: 6-Pyruvoyltetrahydropterin Synthase Deficiency; HYPERPHENYLALANINEMIA, TETRAHYDROBIOPTERIN-DEFICIENT, DUE TO PTS DEFICIENCY; PTS-Related Tetrahydrobiopterin Deficiency; PTS DEFICIENCY; Hyperphenylalanemia, BH4-deficient, A; Hyperphenylalaninemia due to 6-pyruvoyl-tetrahydropterin synthase deficiency. Identifiers: Orphanet 13, Orphanet 238583, MedGen C0878676, MONDO:0009863, OMIM 261640.
Phenylketonuria (PKU). Also called: Phenylketonuria (PKU); OLIGOPHRENIA PHENYLPYRUVICA; Phenylketonurias; FOLLING DISEASE. Identifiers: Orphanet 716, MedGen C0031485, MONDO:0009861, OMIM 261600. Disease mechanism: loss of function.

Allele frequency attached by ClinVar (database versions not stated): gnomAD exomes 0.00007 and 0.00003; gnomAD 0.00009 and 0.00010; TOPMed 0.00004; ExAC 0.00005.
gnomAD v4.1: 64 of 1,613,992 alleles (0.004%); highest among the groups gnomAD compares: African/African-American, 0.0053%; no homozygotes.

Submissions 1 to 11 of 19:

ClinGen PAH Variant Curation Expert Panel
Classification: Pathogenic for Phenylketonuria. Last evaluated: 2018-08-10. Review status: reviewed by expert panel. Criteria: ClinGen PAH ACMG Specifications v1. Collection method: curation. Allele origin: germline. Inheritance: Autosomal recessive inheritance.
Comment: PAH-specific ACMG/AMP criteria applied: PM2: Absent from 1000G, ESP. ExAC MAF=0.00017; PP3: Deleterious effect predicted in SIFT, Polyphen2, MutationTaster. REVEL=0.841; PS3: 39% residual phenylalanine hydroxylase activity (PMID:17935162); PP4_Moderate: Detected in 6 PKU patients. BH4 deficiency excluded. Upgraded per ClinGen PAHEP. (PMID:18294361; PMID:9634518); PM3_Strong: In trans with 3 pathogenic variants (PMID:18294361). In summary this variant meets criteria to be classified as pathogenic for phenylketonuria in an autosomal recessive manner based on the ACMG/AMP criteria applied as specified by the PAH Expert Panel: (PM2, PP3, PS3, PP4_Moderate, PM3_Strong).

PreventionGenetics, part of Exact Sciences
Classification: Pathogenic for PAH-related condition. Last evaluated: 2026-04-14. Review status: criteria provided, single submitter. Criteria: ACMG Guidelines, 2015. Collection method: clinical testing. Allele origin: germline. Not counted in ClinVar's aggregate classification.
Comment: The PAH c.533A>G variant is predicted to result in the amino acid substitution p.Glu178Gly. This variant has been reported to be causative for phenylalanine hydroxylase deficiency and has been associated with hyperphenylalaninemia (for examples, see Guldberg et al. 1994. PubMed ID: 7707686; Bénit et al. 1999. PubMed ID: 10479481; Figure S4 and Table S3, Hillert et al. 2020. PubMed ID: 32668217; Vela-Amieva et al. 2021. PubMed ID: 34828281). In functional studies, the activity of the PAH protein with the p.Glu178Gly substitution has been reported to have an activity of ~20-40% of wild-type (Bénit et al. 1999. PubMed ID: 10479481; Zurflüh et al. 2008. PubMed ID: 17935162; Shen et al. 2016. PubMed ID: 26803807). Of note, the p.Glu178Gly substitution has been reported to lead to a PAH protein that is responsive to tetrahydrobiopterin (BH4) (Zurflüh et al. 2008. PubMed ID: 17935162). The c.533A>G variant is classified as pathogenic by the ClinGen PAH Variant Curation Expert Panel as well as several other laboratories (Variation ID: 92746). This variant is interpreted as pathogenic.

Labcorp Genetics (formerly Invitae), Labcorp
Classification: Pathogenic for Phenylketonuria. Last evaluated: 2025-11-29. Review status: criteria provided, single submitter. Criteria: Invitae Variant Classification Sherloc (09022015). Collection method: clinical testing. Allele origin: germline. Not counted in ClinVar's aggregate classification.
Comment: This sequence change replaces glutamic acid, which is acidic and polar, with glycine, which is neutral and non-polar, at codon 178 of the PAH protein (p.Glu178Gly). This variant is present in population databases (rs77958223, gnomAD 0.02%). This missense change has been observed in individual(s) with hyperphenylalaninemia and phenylketonuria (PMID: 7707686, 8632937, 10479481, 16198137, 18299955, 19948162, 22330942, 22513348, 23357515). In at least one individual the data is consistent with being in trans (on the opposite chromosome) from a pathogenic variant. ClinVar contains an entry for this variant (Variation ID: 92746). Invitae Evidence Modeling of protein sequence and biophysical properties (such as structural, functional, and spatial information, amino acid conservation, physicochemical variation, residue mobility, and thermodynamic stability) indicates that this missense variant is not expected to disrupt PAH protein function with a negative predictive value of 80%. Experimental studies have shown that this missense change affects PAH function (PMID: 10479481, 26803807). For these reasons, this variant has been classified as Pathogenic.

Natera, Inc.
Classification: Pathogenic for Phenylketonuria. Last evaluated: 2025-10-30. Review status: criteria provided, single submitter. Criteria: Natera Variant Classification Schema (03/2026). Collection method: clinical testing. Allele origin: germline. Not counted in ClinVar's aggregate classification.
Comment: The c.533A>G variant in PAH is a missense variant predicted to cause substitution of glutamic acid to glycine at amino acid 178. This variant is rare in the general population with a frequency below the threshold expected for the associated phenotype(s). This variant has been observed in one or more individuals affected with the associated recessive disease, as either homozygous or compound heterozygous with a second variant (PMID: 26481238, 30626930). Computational prediction algorithms indicate this variant is likely to affect gene or protein function. Given the available evidence, this variant is classified as Pathogenic.

Variantyx, Inc.
Classification: Pathogenic for Autosomal recessive PAH-related disorders. Last evaluated: 2025-04-30. Review status: criteria provided, single submitter. Criteria: Variantyx Assertion Criteria 2022. Collection method: clinical testing. Allele origin: germline. Inheritance: Autosomal recessive inheritance. Affected: no. Not counted in ClinVar's aggregate classification.
Comment: This is a nonsynonymous variant in the PAH gene (OMIM: 612349). Pathogenic variants in this gene have been associated with autosomal recessive PAH-related disorders. This variant has been identified in the homozygous or compound heterozygous state in several individuals reported in the published literature (PMID: 34828281, 26803807, 9825986, 7707686, 10479481) (PM3_Strong). Functional studies have shown that this variant alters PAH protein function (PMID: 10479481, 17935162, 26803807) (PS3) and multiple computational algorithms predict a deleterious effect for this variant (REVEL score: 0.841) (PP3). This variant has a 0.0053% maximum allele frequency in non-founder control populations (PM2). This classification has been validated by an expert panel in ClinVar (PP5). Based on the current evidence, this variant is classified as pathogenic for autosomal recessive PAH-related disorders.No other variant of clinical significance was identified in the PAH gene.

Revvity Omics, Revvity
Classification: Pathogenic for Phenylketonuria. Last evaluated: 2025-03-07. Review status: criteria provided, single submitter. Criteria: ACMG Guidelines, 2015. Collection method: clinical testing. Allele origin: germline. Not counted in ClinVar's aggregate classification.

Women's Health and Genetics/Laboratory Corporation of America, LabCorp
Classification: Pathogenic for 6-Pyruvoyl-tetrahydrobiopterin synthase deficiency. Last evaluated: 2025-03-05. Review status: criteria provided, single submitter. Criteria: LabCorp Variant Classification Summary - May 2015. Collection method: clinical testing. Allele origin: germline. Not counted in ClinVar's aggregate classification.
Comment: Variant summary: PAH c.533A>G (p.Glu178Gly) results in a non-conservative amino acid change in the encoded protein sequence. Four of five in-silico tools predict a damaging effect of the variant on protein function. The variant allele was found at a frequency of 7.2e-05 in 251232 control chromosomes. This frequency is not significantly higher than estimated for a pathogenic variant in PAH causing Hyperphenylalaninemia (7.2e-05 vs 0.0079), allowing no conclusion about variant significance. c.533A>G has been reported in the literature in multiple individuals affected with Hyperphenylalaninemia. These data indicate that the variant is very likely to be associated with disease. At least one publication reports experimental evidence evaluating an impact on protein function. The most pronounced variant effect results in 30%-50% of normal activity. The following publications have been ascertained in the context of this evaluation (PMID: 21871829, 17935162, 18299955, 10479481, 23357515, 27121329, 26803807). ClinVar contains an entry for this variant (Variation ID: 92746). Based on the evidence outlined above, the variant was classified as pathogenic.

Blueprint Genetics
Classification: Pathogenic for PAH-related disorders. Last evaluated: 2024-11-21. Review status: criteria provided, single submitter. Criteria: ACMG Guidelines, 2015. Collection method: clinical testing. Allele origin: germline. Affected: yes. Observed: 5 variant alleles. Not counted in ClinVar's aggregate classification.

CeGaT Center for Human Genetics Tuebingen
Classification: Pathogenic. Last evaluated: 2023-03-01. Review status: criteria provided, single submitter. Criteria: CeGaT Center For Human Genetics Tuebingen Variant Classification Criteria Version 2. Collection method: clinical testing. Allele origin: germline. Affected: yes. Observed: 1 variant allele. Not counted in ClinVar's aggregate classification.
Comment: PAH: PM3:Very Strong, PM2, PP1:Moderate, PP4:Moderate, PS3:Moderate

AiLife Diagnostics
Classification: Pathogenic. Last evaluated: 2022-01-25. Review status: criteria provided, single submitter. Criteria: ACMG Guidelines, 2015. Collection method: clinical testing. Allele origin: germline. Affected: yes. Observed: 1 variant allele. Not counted in ClinVar's aggregate classification.

Fulgent Genetics
Classification: Pathogenic for Phenylketonuria. Last evaluated: 2021-11-08. Review status: criteria provided, single submitter. Criteria: ACMG Guidelines, 2015. Collection method: clinical testing. Allele origin: unknown. Not counted in ClinVar's aggregate classification.